The following is an entry in ClinVar:

ClinVar aggregate classification (germline): Uncertain significance. Review status: criteria provided, multiple submitters, no conflicts (2 of 4 stars). 3 submissions from 3 submitters: Uncertain significance (3). Last evaluated 2025-09-26.

Conditions:
Inborn genetic diseases. Identifiers: MedGen C0950123, MeSH D030342.
Combined oxidative phosphorylation deficiency 39. Identifiers: Orphanet 565624, MedGen C5193075, MONDO:0032726, OMIM 618397.

Allele frequency attached by ClinVar (database versions not stated): gnomAD 0.00001; gnomAD exomes 0.00001 and 0.00002; ExAC 0.00002; 1000 Genomes Project 30x 0.00016; 1000 Genomes Project 0.00020.
gnomAD v4.1: 10 of 1,524,386 alleles (0.00066%); highest among the groups gnomAD compares: Middle Eastern, 0.017%; no homozygotes.

Submissions (3):

Ambry Genetics
Classification: Uncertain significance for Inborn genetic diseases. Last evaluated: 2025-09-26. Review status: criteria provided, single submitter. Criteria: Ambry Variant Classification Scheme 2023. Collection method: clinical testing. Allele origin: germline.

Labcorp Genetics (formerly Invitae), Labcorp
Classification: Uncertain significance. Last evaluated: 2022-08-13. Review status: criteria provided, single submitter. Criteria: Invitae Variant Classification Sherloc (09022015). Collection method: clinical testing. Allele origin: germline.
Comment: In summary, the available evidence is currently insufficient to determine the role of this variant in disease. Therefore, it has been classified as a Variant of Uncertain Significance. This sequence change replaces isoleucine, which is neutral and non-polar, with threonine, which is neutral and polar, at codon 67 of the GFM2 protein (p.Ile67Thr). This variant is present in population databases (rs181900110, gnomAD 0.006%). This variant has not been reported in the literature in individuals affected with GFM2-related conditions. ClinVar contains an entry for this variant (Variation ID: 1030025). Algorithms developed to predict the effect of missense changes on protein structure and function (SIFT, PolyPhen-2, Align-GVGD) all suggest that this variant is likely to be tolerated.

Baylor Genetics
Classification: Uncertain significance for Combined oxidative phosphorylation deficiency 39. Last evaluated: 2020-05-05. Review status: criteria provided, single submitter. Criteria: ACMG Guidelines, 2015. Collection method: clinical testing. Allele origin: unknown. Affected: yes.
Comment: This variant was determined to be of uncertain significance according to ACMG Guidelines, 2015 [PMID:25741868].

NM_032380.5(GFM2):c.200T>C (p.Ile67Thr)

Gene: GFM2 (GTP dependent ribosome recycling factor mitochondrial 2; minus strand). Cytogenetic location: 5q13.3.
Variant type: single nucleotide variant.
Coding change: c.200T>C on transcript NM_032380.5 (MANE Select); coding-DNA position 200, T replaced by C.
Protein change: p.Ile67Thr; replaces isoleucine 67 with threonine.
Molecular consequence: missense variant. On other transcripts: non-coding transcript variant (1).
Genome position (GRCh38, 1-based): chr5:74,759,375, A>G on the plus strand (T>C on the coding strand, the complement: GFM2 is on the minus strand). VCF-style: chr5-74759375-A-G. GRCh37 (hg19) VCF-style: chr5-74055200-A-G.
Other names: c.296T>C, p.Ile99Thr (NM_001281302.2); c.200T>C, p.Ile67Thr (NM_170681.3, NM_170691.3); c.200T>C (NM_032380.3); short protein forms I67T, I99T.
Identifiers: ClinVar variation 1030025 (VCV001030025.7), dbSNP rs181900110, ClinGen allele CA3306901.